The following is an entry in ClinVar:

ClinVar aggregate classification (germline): Pathogenic (0 of 4 stars; one submission).

Conditions:
Fanconi anemia complementation group A (FANCA). Also called: Fanconi anemia, group A; FANCA-Related Fanconi Anemia. Identifiers: Orphanet 84, MedGen C3469521, MONDO:0009215, OMIM 227650.

Submission:

Leiden Open Variation Database
Classification: Pathogenic for Fanconi anemia complementation group A. Last evaluated: 2020-02-28. Review status: no assertion criteria provided. Collection method: curation. Allele origin: germline. Affected: yes.
Comment: Curator: Arleen D. Auerbach. Submitter to LOVD: Arleen D. Auerbach.

NM_000135.4(FANCA):c.2327dup (p.Ser777fs)

Gene: FANCA (FA complementation group A; minus strand). Cytogenetic location: 16q24.3.
Variant type: Duplication.
Coding change: c.2327dup on transcript NM_000135.4 (MANE Select); coding-DNA position 2327, one base duplicated (T; older notation c.2327dupT).
Protein change: p.Ser777fs; shifts the reading frame from serine 777.
Molecular consequence: frameshift variant.
Genome position (GRCh38, 1-based): chr16:89,770,014, A duplicated on the plus strand (T on the coding strand, the reverse complement: FANCA is on the minus strand). VCF-style (leftmost placement, unchanged base first): chr16-89770013-C-CA. GRCh37 (hg19) VCF-style: chr16-89836421-C-CA.
Other names: c.2327dup, p.Ser777fs (NM_001286167.3); short protein forms S777fs.
Identifiers: ClinVar variation 974032 (VCV000974032.1), dbSNP rs2039267300, ClinGen allele CA1139665012.